The following is an entry in ClinVar:

NM_017654.4(SAMD9):c.4387T>C (p.Ser1463Pro)

Gene: SAMD9 (sterile alpha motif domain containing 9; minus strand). Cytogenetic location: 7q21.2.
Variant type: single nucleotide variant.
Coding change: c.4387T>C on transcript NM_017654.4 (MANE Select); coding-DNA position 4387, T replaced by C.
Protein change: p.Ser1463Pro; replaces serine 1463 with proline.
Molecular consequence: missense variant.
Genome position (GRCh38, 1-based): chr7:93,101,711, A>G on the plus strand (T>C on the coding strand, the complement: SAMD9 is on the minus strand). VCF-style: chr7-93101711-A-G. GRCh37 (hg19) VCF-style: chr7-92731024-A-G.
Other names: c.4387T>C, p.Ser1463Pro (NM_001193307.2); short protein forms S1463P.
Identifiers: ClinVar variation 3316115 (VCV003316115.4).

ClinVar aggregate classification (germline): Uncertain significance. Review status: criteria provided, multiple submitters, no conflicts (2 of 4 stars). 3 submissions from 3 submitters: Uncertain significance (3). Last evaluated 2025-10-23.

Conditions:
Inborn genetic diseases. Identifiers: MedGen C0950123, MeSH D030342.
Normophosphatemic familial tumoral calcinosis. Also called: CALCINOSIS, TUMORAL, WITH NORMOPHOSPHATEMIA. Identifiers: Orphanet 306658, Orphanet 53715, MedGen C1864861, MONDO:0012502, OMIM 610455.

gnomAD v4.1: 3 of 1,613,612 alleles (0.00019%); highest among the groups gnomAD compares: African/African-American, 0.004%; no homozygotes.

Submissions (3):

Myriad Genetics, Inc.
Classification: Uncertain significance for Normophosphatemic familial tumoral calcinosis. Last evaluated: 2025-10-23. Review status: criteria provided, single submitter. Criteria: Myriad Autosomal Dominant, Autosomal Recessive and X-Linked Classification Criteria (2023). Collection method: clinical testing. Allele origin: unknown.
Comment: NM_017654.3(SAMD9):c.4387T>C(S1463P) is a missense variant classified as a variant of uncertain significance in the context of normophosphatemic familial tumoral calcinosis. S1463P has not been observed in cases with relevant disease. Relevant functional assessments of this variant are not available in the literature. S1463P has not been observed in referenced population frequency databases. In summary, there is insufficient evidence to classify NM_017654.3(SAMD9):c.4387T>C(S1463P) as pathogenic or benign. Please note: this variant was assessed in the context of healthy population screening.

Labcorp Genetics (formerly Invitae), Labcorp
Classification: Uncertain significance. Last evaluated: 2025-03-13. Review status: criteria provided, single submitter. Criteria: Invitae Variant Classification Sherloc (09022015). Collection method: clinical testing. Allele origin: germline.
Comment: This sequence change replaces serine, which is neutral and polar, with proline, which is neutral and non-polar, at codon 1463 of the SAMD9 protein (p.Ser1463Pro). This variant is not present in population databases (gnomAD no frequency). This variant has not been reported in the literature in individuals affected with SAMD9-related conditions. ClinVar contains an entry for this variant (Variation ID: 3316115). Invitae Evidence Modeling of protein sequence and biophysical properties (such as structural, functional, and spatial information, amino acid conservation, physicochemical variation, residue mobility, and thermodynamic stability) indicates that this missense variant is not expected to disrupt SAMD9 protein function with a negative predictive value of 95%. In summary, the available evidence is currently insufficient to determine the role of this variant in disease. Therefore, it has been classified as a Variant of Uncertain Significance.

Ambry Genetics
Classification: Uncertain significance for Inborn genetic diseases. Last evaluated: 2024-11-26. Review status: criteria provided, single submitter. Criteria: Ambry Variant Classification Scheme 2023. Collection method: clinical testing. Allele origin: germline.
Comment: The p.S1463P variant (also known as c.4387T>C), located in coding exon 1 of the SAMD9 gene, results from a T to C substitution at nucleotide position 4387. The serine at codon 1463 is replaced by proline, an amino acid with similar properties. This amino acid position is conserved. In addition, this alteration is predicted to be tolerated by in silico analysis. Based on the available evidence, the clinical significance of this variant remains unclear.